The following is an entry in ClinVar:

ClinVar aggregate classification (germline): Benign (1 of 4 stars; one submission).

Conditions:
Cardiomyopathy (CMYO). Also called: Cardiomyopathies. Identifiers: Orphanet 167848, MedGen C0878544, MONDO:0004994, HP:0001638. Inheritance: Various modes of inheritance.

Submission:

GeneDx
Classification: Benign for Cardiomyopathy. Last evaluated: 2011-07-11. Review status: criteria provided, single submitter. Criteria: GeneDx Variant Classification (06012015). Collection method: clinical testing. Allele origin: germline. Affected: yes.
Comment: The variant is found in HCM panel(s).

NM_000256.3:c.929insG

Gene: MYBPC3 (myosin binding protein C3; minus strand). Cytogenetic location: 11p11.2.
Variant type: Insertion.
Identifiers: ClinVar variation 180924 (VCV000180924.1).